The following is an entry in ClinVar:

NM_006005.3(WFS1):c.1724C>G (p.Ala575Gly)

Gene: WFS1 (wolframin ER transmembrane glycoprotein; plus strand). Cytogenetic location: 4p16.1.
Variant type: single nucleotide variant.
Coding change: c.1724C>G on transcript NM_006005.3 (MANE Select); coding-DNA position 1724, C replaced by G.
Protein change: p.Ala575Gly; replaces alanine 575 with glycine.
Molecular consequence: missense variant.
Genome position (GRCh38, 1-based): chr4:6,301,519, C>G. VCF-style: chr4-6301519-C-G. GRCh37 (hg19) VCF-style: chr4-6303246-C-G.
Other names: c.1724C>G, p.Ala575Gly (NM_001145853.1); short protein forms A575G.
Identifiers: ClinVar variation 440419 (VCV000440419.23), dbSNP rs71524360, ClinGen allele CA2839458.

ClinVar aggregate classification (germline): Conflicting classifications of pathogenicity. Review status: criteria provided, conflicting classifications (1 of 4 stars). 6 submissions from 6 submitters: Uncertain significance (5); Likely benign (1). Last evaluated 2026-06-02.

Conditions:
WFS1-related disorder. Identifiers: MedGen CN379391, MONDO:0700293.
Wolfram-like syndrome. Also called: HEARING LOSS, PROGRESSIVE, WITH OPTIC ATROPHY AND/OR IMPAIRED GLUCOSE REGULATION. Identifiers: Orphanet 411590, MedGen C3280358, MONDO:0013673, OMIM 614296.
Cataract 41 (CTRCT41). Also called: CATARACT 41, CONGENITAL NUCLEAR TYPE. Identifiers: Orphanet 91492, Orphanet 98991, Orphanet 98992, Orphanet 98995, MedGen C3805412, MONDO:0007287, OMIM 116400.
Type 2 diabetes mellitus. Also called: Type II diabetes mellitus. Identifiers: MedGen C0011860, MeSH D003924, MONDO:0005148, OMIM 125853, HP:0005978.
Autosomal dominant nonsyndromic hearing loss 6 (LFSNHL). Also called: DEAFNESS, AUTOSOMAL DOMINANT 6; DEAFNESS, AUTOSOMAL DOMINANT 14; DEAFNESS, AUTOSOMAL DOMINANT 38; Autosomal dominant nonsyndromic deafness 6. Identifiers: Orphanet 90635, MedGen C1833021, MONDO:0010963, OMIM 600965.
Wolfram syndrome 1 (WFS1). Identifiers: Orphanet 3463, MedGen C4551693, MONDO:0009101, OMIM 222300.

Allele frequency attached by ClinVar (database versions not stated): gnomAD 0.00006 and 0.00007; TOPMed 0.00009; ExAC 0.00027.
gnomAD v4.1: 81 of 1,613,682 alleles (0.005%); highest among the groups gnomAD compares: Admixed American, 0.088%; 1 homozygote.

Submissions (6):

PreventionGenetics, part of Exact Sciences
Classification: Uncertain significance for WFS1-related condition. Last evaluated: 2026-06-02. Review status: criteria provided, single submitter. Criteria: ACMG Guidelines, 2015. Collection method: clinical testing. Allele origin: germline.
Comment: The WFS1 c.1724C>G variant is predicted to result in the amino acid substitution p.Ala575Gly. This variant has been reported in a type 2 diabetes cohort (Table S1, Li et al. 2023. PubMed ID: 37277527). This variant is reported in 0.10% of alleles in individuals of Latino descent in gnomAD, including one homozygote. Although we suspect that this variant may be benign, at this time, the clinical significance of this variant is uncertain due to the absence of conclusive functional and genetic evidence.

Labcorp Genetics (formerly Invitae), Labcorp
Classification: Likely benign. Last evaluated: 2025-11-05. Review status: criteria provided, single submitter. Criteria: Invitae Variant Classification Sherloc (09022015). Collection method: clinical testing. Allele origin: germline.

GeneDx
Classification: Uncertain significance. Last evaluated: 2025-01-15. Review status: criteria provided, single submitter. Criteria: GeneDx Variant Classification Process June 2021. Collection method: clinical testing. Allele origin: germline. Affected: yes.
Comment: Reported in a patient with early-onset type 2 diabetes in published literature (PMID: 37277527); In silico analysis indicates that this missense variant does not alter protein structure/function; This variant is associated with the following publications: (PMID: 26435059, 37277527)

Blueprint Genetics
Classification: Uncertain significance. Last evaluated: 2024-03-21. Review status: criteria provided, single submitter. Criteria: ACMG Guidelines, 2015. Collection method: clinical testing. Allele origin: germline.

Fulgent Genetics
Classification: Uncertain significance for Cataract 41; Type 2 diabetes mellitus; Wolfram syndrome 1; Autosomal dominant nonsyndromic hearing loss 6; Wolfram-like syndrome. Last evaluated: 2018-10-31. Review status: criteria provided, single submitter. Criteria: ACMG Guidelines, 2015. Collection method: clinical testing. Allele origin: unknown.

ARUP Laboratories, Molecular Genetics and Genomics, ARUP Laboratories
Classification: Uncertain significance. Last evaluated: 2017-05-24. Review status: criteria provided, single submitter. Criteria: ARUP Molecular Germline Variant Investigation Process. Collection method: clinical testing. Allele origin: germline.
Comment: The p.Ala575Gly variant (rs71524360) has not been reported in the medical literature in association with hearing loss nor has it been previously identified in our laboratory. It is listed in the Genome Aggregation Database (gnomAD) browser with a frequency in Latino populations of 0.10% (identified in 35 out of 34,416 chromosomes, including 1 homozygote). The alanine at codon 575 is moderately conserved considering 13 species (Alamut software v2.9), and computational analyses return mixed results regarding the effect of this variant on WFS1 protein structure/function (SIFT: tolerated, PolyPhen2: benign, and Mutation Taster: disease causing). Thus, based on the available information, the clinical significance of the p.Ala575Gly variant cannot be determined with certainty.